The following is an entry in ClinVar:

NM_004183.4(BEST1):c.1574A>C (p.Glu525Ala)

Gene: BEST1 (bestrophin 1; plus strand). Cytogenetic location: 11q12.3.
Variant type: single nucleotide variant.
Coding change: c.1574A>C on transcript NM_004183.4 (MANE Select); coding-DNA position 1574, A replaced by C.
Protein change: p.Glu525Ala; replaces glutamic acid 525 with alanine.
Molecular consequence: missense variant. On other transcripts: non-coding transcript variant (1).
Genome position (GRCh38, 1-based): chr11:61,962,728, A>C. VCF-style: chr11-61962728-A-C. GRCh37 (hg19) VCF-style: chr11-61730200-A-C.
Other names: c.1394A>C, p.Glu465Ala (NM_001139443.3, NM_001300787.2); c.1313A>C, p.Glu438Ala (NM_001300786.2); c.1256A>C, p.Glu419Ala (NM_001363591.3); c.*469A>C (NM_001363592.2); c.602A>C, p.Glu201Ala (NM_001363593.3); short protein forms E525A, E201A, E419A, E438A, E465A.
Identifiers: ClinVar variation 99681 (VCV000099681.51), dbSNP rs200582915, ClinGen allele CA227726.

ClinVar aggregate classification (germline): Uncertain significance. Review status: criteria provided, multiple submitters, no conflicts (2 of 4 stars). 4 submissions from 4 submitters: Uncertain significance (3). 1 of the submissions does not count toward it. Last evaluated 2025-03-14.

Allele frequency attached by ClinVar (database versions not stated): gnomAD 0.00001 and 0.00002; gnomAD exomes 0.00007; ExAC 0.00012; 1000 Genomes Project 30x 0.00016; 1000 Genomes Project 0.00020.

Submissions (4):

Labcorp Genetics (formerly Invitae), Labcorp
Classification: Uncertain significance. Last evaluated: 2025-03-14. Review status: criteria provided, single submitter. Criteria: Invitae Variant Classification Sherloc (09022015). Collection method: clinical testing. Allele origin: germline.
Comment: This sequence change replaces glutamic acid, which is acidic and polar, with alanine, which is neutral and non-polar, at codon 525 of the BEST1 protein (p.Glu525Ala). This variant is present in population databases (rs200582915, gnomAD 0.04%). This variant has not been reported in the literature in individuals affected with BEST1-related conditions. ClinVar contains an entry for this variant (Variation ID: 99681). Invitae Evidence Modeling of protein sequence and biophysical properties (such as structural, functional, and spatial information, amino acid conservation, physicochemical variation, residue mobility, and thermodynamic stability) has been performed for this missense variant. However, the output from this modeling did not meet the statistical confidence thresholds required to predict the impact of this variant on BEST1 protein function. In summary, the available evidence is currently insufficient to determine the role of this variant in disease. Therefore, it has been classified as a Variant of Uncertain Significance.

Blueprint Genetics
Classification: Uncertain significance. Last evaluated: 2019-11-21. Review status: criteria provided, single submitter. Criteria: ACMG Guidelines, 2015. Collection method: clinical testing. Allele origin: germline.

CeGaT Center for Human Genetics Tuebingen
Classification: Uncertain significance. Last evaluated: 2017-09-01. Review status: criteria provided, single submitter. Criteria: CeGaT Center For Human Genetics Tuebingen Variant Classification Criteria Version 2. Collection method: clinical testing. Allele origin: germline. Affected: yes. Observed: 1 variant allele.

Retina International
No classification provided. Review status: no classification provided. Collection method: not provided. Allele origin: not provided. Not counted in ClinVar's aggregate classification.